The following is an entry in ClinVar:

ClinVar aggregate classification (germline): Uncertain significance. Review status: criteria provided, multiple submitters, no conflicts (2 of 4 stars). 2 submissions from 2 submitters: Uncertain significance (2). Last evaluated 2025-01-27.

Conditions:
Gorlin syndrome. Also called: Nevoid Basal Cell Carcinoma Syndrome; Basal cell nevus syndrome. Identifiers: Orphanet 377, MedGen C0004779, MONDO:0007187.
Hereditary cancer-predisposing syndrome. Also called: Hereditary Cancer Syndrome; Tumor predisposition; Hereditary neoplastic syndrome; Neoplastic Syndromes, Hereditary. Identifiers: Orphanet 140162, MedGen C0027672, MeSH D009386, MONDO:0015356.

Allele frequency attached by ClinVar (database versions not stated): gnomAD exomes below 0.00001.
gnomAD v4.1: 1 of 1,614,008 alleles (0.000062%); highest among the groups gnomAD compares: African/African-American, 0.0013%; no homozygotes.

Submissions (2):

Labcorp Genetics (formerly Invitae), Labcorp
Classification: Uncertain significance for Gorlin syndrome. Last evaluated: 2025-01-27. Review status: criteria provided, single submitter. Criteria: Invitae Variant Classification Sherloc (09022015). Collection method: clinical testing. Allele origin: germline.
Comment: This sequence change replaces aspartic acid, which is acidic and polar, with asparagine, which is neutral and polar, at codon 695 of the PTCH1 protein (p.Asp695Asn). This variant is not present in population databases (gnomAD no frequency). This variant has not been reported in the literature in individuals affected with PTCH1-related conditions. ClinVar contains an entry for this variant (Variation ID: 1051598). Invitae Evidence Modeling of protein sequence and biophysical properties (such as structural, functional, and spatial information, amino acid conservation, physicochemical variation, residue mobility, and thermodynamic stability) indicates that this missense variant is not expected to disrupt PTCH1 protein function with a negative predictive value of 95%. In summary, the available evidence is currently insufficient to determine the role of this variant in disease. Therefore, it has been classified as a Variant of Uncertain Significance.

Ambry Genetics
Classification: Uncertain significance for Hereditary cancer-predisposing syndrome. Last evaluated: 2023-09-28. Review status: criteria provided, single submitter. Criteria: Ambry Variant Classification Scheme 2023. Collection method: clinical testing. Allele origin: germline.
Comment: The p.D695N variant (also known as c.2083G>A), located in coding exon 14 of the PTCH1 gene, results from a G to A substitution at nucleotide position 2083. The aspartic acid at codon 695 is replaced by asparagine, an amino acid with highly similar properties. This amino acid position is conserved. In addition, this alteration is predicted to be tolerated by in silico analysis. Since supporting evidence is limited at this time, the clinical significance of this alteration remains unclear.

NM_000264.5(PTCH1):c.2083G>A (p.Asp695Asn)

Genes: PTCH1 (patched 1; minus strand), LOC100507346 (uncharacterized LOC100507346; plus strand). Cytogenetic location: 9q22.32.
Variant type: single nucleotide variant.
Coding change: c.2083G>A on transcript NM_000264.5 (MANE Select); coding-DNA position 2083, G replaced by A.
Protein change: p.Asp695Asn; replaces aspartic acid 695 with asparagine.
Molecular consequence: missense variant. On other transcripts: non-coding transcript variant (2).
Genome position (GRCh38, 1-based): chr9:95,468,918, C>T on the plus strand (G>A on the coding strand, the complement: PTCH1 is on the minus strand). VCF-style: chr9-95468918-C-T. GRCh37 (hg19) VCF-style: chr9-98231200-C-T.
Other names: c.1885G>A, p.Asp629Asn (NM_001083602.3); c.2080G>A, p.Asp694Asn (NM_001083603.3); c.1630G>A, p.Asp544Asn (NM_001083604.3, NM_001083605.3, NM_001083606.3 and 1 more transcripts); c.1927G>A, p.Asp643Asn (NM_001354918.2); c.2083G>A (NM_000264.3); short protein forms D544N, D629N, D643N, D694N, D695N.
Identifiers: ClinVar variation 1051598 (VCV001051598.13), dbSNP rs2118039182, ClinGen allele CA374115697.